The following is an entry in ClinVar:

ClinVar aggregate classification (germline): Uncertain significance (1 of 4 stars; one submission).

Allele frequency attached by ClinVar (database versions not stated): TOPMed 0.00001.
gnomAD v4.1: 21 of 1,583,746 alleles (0.0013%); highest among the groups gnomAD compares: Non-Finnish European, 0.0018%; no homozygotes.

Submission:

Labcorp Genetics (formerly Invitae), Labcorp
Classification: Uncertain significance. Last evaluated: 2022-08-09. Review status: criteria provided, single submitter. Criteria: Invitae Variant Classification Sherloc (09022015). Collection method: clinical testing. Allele origin: germline.
Comment: Algorithms developed to predict the effect of missense changes on protein structure and function are either unavailable or do not agree on the potential impact of this missense change (SIFT: "Deleterious"; PolyPhen-2: "Benign"; Align-GVGD: "Class C0"). In summary, the available evidence is currently insufficient to determine the role of this variant in disease. Therefore, it has been classified as a Variant of Uncertain Significance. ClinVar contains an entry for this variant (Variation ID: 998903). This variant has not been reported in the literature in individuals affected with RIMS1-related conditions. This variant is present in population databases (no rsID available, gnomAD 0.001%). This sequence change replaces arginine, which is basic and polar, with glycine, which is neutral and non-polar, at codon 485 of the RIMS1 protein (p.Arg485Gly).

NM_014989.7(RIMS1):c.1453C>G (p.Arg485Gly)

Gene: RIMS1 (regulating synaptic membrane exocytosis 1; plus strand). Cytogenetic location: 6q13.
Variant type: single nucleotide variant.
Coding change: c.1453C>G on transcript NM_014989.7 (MANE Select); coding-DNA position 1453, C replaced by G.
Protein change: p.Arg485Gly; replaces arginine 485 with glycine.
Molecular consequence: missense variant.
Genome position (GRCh38, 1-based): chr6:72,182,924, C>G. VCF-style: chr6-72182924-C-G. GRCh37 (hg19) VCF-style: chr6-72892627-C-G.
Other names: short protein forms R485G.
Identifiers: ClinVar variation 998903 (VCV000998903.6), dbSNP rs940684990, ClinGen allele CA141417563.